The following is an entry in ClinVar:

NM_000195.5(HPS1):c.1176C>T (p.Ala392=)

Gene: HPS1 (HPS1 biogenesis of lysosomal organelles complex 3 subunit 1; minus strand). Cytogenetic location: 10q24.2.
Variant type: single nucleotide variant.
Coding change: c.1176C>T on transcript NM_000195.5 (MANE Select); coding-DNA position 1176, C replaced by T.
Protein change: p.Ala392=; no amino-acid change (alanine 392 retained).
Molecular consequence: synonymous variant.
Genome position (GRCh38, 1-based): chr10:98,425,700, G>A on the plus strand (C>T on the coding strand, the complement: HPS1 is on the minus strand). VCF-style: chr10-98425700-G-A. GRCh37 (hg19) VCF-style: chr10-100185457-G-A.
Other names: p.Ala392=; c.204C>T, p.Ala68= (NM_001311345.2, NM_001322487.2, NM_001322489.2); c.1176C>T, p.Ala392= (NM_001322476.2, NM_001322477.2); c.1077C>T, p.Ala359= (NM_001322478.2, NM_001322479.2); c.915C>T, p.Ala305= (NM_001322480.2, NM_001322481.2); c.816C>T, p.Ala272= (NM_001322482.2); c.807C>T, p.Ala269= (NM_001322483.2, NM_001322484.2); c.708C>T, p.Ala236= (NM_001322485.2).
Identifiers: ClinVar variation 1528311 (VCV001528311.9), dbSNP rs370108188, ClinGen allele CA471260741.

ClinVar aggregate classification (germline): Likely benign. Review status: criteria provided, multiple submitters, no conflicts (2 of 4 stars). 2 submissions from 2 submitters: Likely benign (2). Last evaluated 2024-10-15.

Submissions (2):

Mayo Clinic Laboratories, Mayo Clinic
Classification: Likely benign. Last evaluated: 2024-10-15. Review status: criteria provided, single submitter. Criteria: ACMG Guidelines, 2015. Collection method: clinical testing. Allele origin: germline. Observed: 1 variant allele.
Comment: BP4, BP7, PM2_supporting

Labcorp Genetics (formerly Invitae), Labcorp
Classification: Likely benign. Last evaluated: 2024-03-15. Review status: criteria provided, single submitter. Criteria: Invitae Variant Classification Sherloc (09022015). Collection method: clinical testing. Allele origin: germline.